The following is an entry in ClinVar:

ClinVar aggregate classification (germline): Uncertain significance. Review status: criteria provided, single submitter (1 of 4 stars). 2 submissions from 2 submitters: Uncertain significance (1). 1 of the submissions does not count toward it. Last evaluated 2021-09-01.

Conditions:
INO80-related disorder. Also called: INO80-related condition.

Allele frequency attached by ClinVar (database versions not stated): TOPMed 0.00006; ExAC 0.00007; ESP Exome Variant Server 0.00008; gnomAD 0.00008; gnomAD exomes 0.00008.
gnomAD v4.1: 133 of 1,613,852 alleles (0.0082%); highest among the groups gnomAD compares: Middle Eastern, 0.033%; no homozygotes.

Submissions (2):

Ambry Genetics
Classification: Uncertain significance. Last evaluated: 2021-09-01. Review status: criteria provided, single submitter. Criteria: Ambry Variant Classification Scheme 2023. Collection method: clinical testing. Allele origin: germline.

PreventionGenetics, part of Exact Sciences
Classification: Uncertain significance for INO80-related condition. Last evaluated: 2024-04-10. Review status: no assertion criteria provided. Collection method: clinical testing. Allele origin: germline. Not counted in ClinVar's aggregate classification.
Comment: The INO80 c.3007C>T variant is predicted to result in the amino acid substitution p.Leu1003Phe. To our knowledge, this variant has not been reported in the literature. This variant is reported in 0.015% of alleles in individuals of European (Non-Finnish) descent in gnomAD. At this time, the clinical significance of this variant is uncertain due to the absence of conclusive functional and genetic evidence.

NM_017553.3(INO80):c.3007C>T (p.Leu1003Phe)

Genes: INO80 (INO80 complex ATPase subunit; minus strand), INO80-AS1 (INO80 antisense RNA 1; plus strand). Cytogenetic location: 15q15.1.
Variant type: single nucleotide variant.
Coding change: c.3007C>T on transcript NM_017553.3 (MANE Select); coding-DNA position 3007, C replaced by T.
Protein change: p.Leu1003Phe; replaces leucine 1003 with phenylalanine.
Molecular consequence: missense variant. On other transcripts: non-coding transcript variant (2).
Genome position (GRCh38, 1-based): chr15:41,027,637, G>A on the plus strand (C>T on the coding strand, the complement: INO80 is on the minus strand). VCF-style: chr15-41027637-G-A. GRCh37 (hg19) VCF-style: chr15-41319835-G-A.
Other names: c.3007C>T (NM_017553.2); short protein forms L1003F.
Identifiers: ClinVar variation 2404205 (VCV002404205.3), dbSNP rs201049180, ClinGen allele CA7488861.